The following is an entry in ClinVar:

NM_014159.7(SETD2):c.3691G>A (p.Gly1231Arg)

Gene: SETD2 (SET domain containing 2, histone lysine methyltransferase; minus strand). Cytogenetic location: 3p21.31.
Variant type: single nucleotide variant.
Coding change: c.3691G>A on transcript NM_014159.7 (MANE Select); coding-DNA position 3691, G replaced by A.
Protein change: p.Gly1231Arg; replaces glycine 1231 with arginine.
Molecular consequence: missense variant. On other transcripts: non-coding transcript variant (1).
Genome position (GRCh38, 1-based): chr3:47,120,945, C>T on the plus strand (G>A on the coding strand, the complement: SETD2 is on the minus strand). VCF-style: chr3-47120945-C-T. GRCh37 (hg19) VCF-style: chr3-47162435-C-T.
Other names: c.3559G>A, p.Gly1187Arg (NM_001349370.3); short protein forms G1231R, G1187R.
Identifiers: ClinVar variation 644982 (VCV000644982.5), dbSNP rs773007833, ClinGen allele CA2363342.

ClinVar aggregate classification (germline): Uncertain significance (1 of 4 stars; one submission).

Conditions:
Luscan-Lumish syndrome. Identifiers: Orphanet 597738, MedGen C4085873, MONDO:0014791, OMIM 616831.

Allele frequency attached by ClinVar (database versions not stated): TOPMed below 0.00001; ExAC 0.00001; gnomAD exomes 0.00001.

Submission:

Labcorp Genetics (formerly Invitae), Labcorp
Classification: Uncertain significance for Luscan-Lumish syndrome. Last evaluated: 2024-03-14. Review status: criteria provided, single submitter. Criteria: Invitae Variant Classification Sherloc (09022015). Collection method: clinical testing. Allele origin: germline.
Comment: This sequence change replaces glycine, which is neutral and non-polar, with arginine, which is basic and polar, at codon 1231 of the SETD2 protein (p.Gly1231Arg). This variant is present in population databases (rs773007833, gnomAD 0.006%). This variant has not been reported in the literature in individuals affected with SETD2-related conditions. ClinVar contains an entry for this variant (Variation ID: 644982). Advanced modeling of protein sequence and biophysical properties (such as structural, functional, and spatial information, amino acid conservation, physicochemical variation, residue mobility, and thermodynamic stability) has been performed at Invitae for this missense variant, however the output from this modeling did not meet the statistical confidence thresholds required to predict the impact of this variant on SETD2 protein function. In summary, the available evidence is currently insufficient to determine the role of this variant in disease. Therefore, it has been classified as a Variant of Uncertain Significance.